The following is an entry in ClinVar:

ClinVar aggregate classification (germline): Uncertain significance (1 of 4 stars; one submission).

Allele frequency attached by ClinVar (database versions not stated): gnomAD exomes below 0.00001; TOPMed 0.00001.
gnomAD v4.1: 1 of 1,611,614 alleles (0.000062%); highest among the groups gnomAD compares: Admixed American, 0.0017%; no homozygotes.

Submission:

GeneDx
Classification: Uncertain significance. Last evaluated: 2022-04-20. Review status: criteria provided, single submitter. Criteria: GeneDx Variant Classification Process June 2021. Collection method: clinical testing. Allele origin: germline. Affected: yes.
Comment: Not observed at significant frequency in large population cohorts (gnomAD); In silico analysis supports that this missense variant does not alter protein structure/function; Has not been previously published as pathogenic or benign to our knowledge

NM_012463.4(ATP6V0A2):c.128A>G (p.Asn43Ser)

Gene: ATP6V0A2 (ATPase H+ transporting V0 subunit a2; plus strand). Cytogenetic location: 12q24.31.
Variant type: single nucleotide variant.
Coding change: c.128A>G on transcript NM_012463.4 (MANE Select); coding-DNA position 128, A replaced by G.
Protein change: p.Asn43Ser; replaces asparagine 43 with serine.
Molecular consequence: missense variant.
Genome position (GRCh38, 1-based): chr12:123,718,633, A>G. VCF-style: chr12-123718633-A-G. GRCh37 (hg19) VCF-style: chr12-124203180-A-G.
Other names: short protein forms N43S.
Identifiers: ClinVar variation 1711946 (VCV001711946.2), dbSNP rs887215829, ClinGen allele CA245179988.